The following is an entry in ClinVar:

ClinVar aggregate classification (germline): Benign. Review status: criteria provided, multiple submitters, no conflicts (2 of 4 stars). 3 submissions from 3 submitters: Benign (2). 1 of the submissions does not count toward it. Last evaluated 2018-06-19.

Conditions:
POLQ-related disorder. Also called: POLQ-related condition.

Allele frequency attached by ClinVar (database versions not stated): gnomAD exomes 0.00133 and 0.00340; ExAC 0.00427; 1000 Genomes Project 0.01358; gnomAD 0.01406 and 0.01519; 1000 Genomes Project 30x 0.01452; ESP Exome Variant Server 0.01561; TOPMed 0.01580.
gnomAD v4.1: 4,152 of 1,606,184 alleles (0.26%); highest among the groups gnomAD compares: African/African-American, 4.9%; 102 homozygotes.

Submissions (3):

Labcorp Genetics (formerly Invitae), Labcorp
Classification: Benign. Last evaluated: 2018-06-19. Review status: criteria provided, single submitter. Criteria: Invitae Variant Classification Sherloc (09022015). Collection method: clinical testing. Allele origin: germline.

Breakthrough Genomics
Classification: Benign. Review status: criteria provided, single submitter. Criteria: ACMG Guidelines, 2015. Collection method: not provided. Allele origin: germline. Inheritance: Unknown mechanism. Affected: yes.

PreventionGenetics, part of Exact Sciences
Classification: Benign for POLQ-related condition. Last evaluated: 2019-03-08. Review status: no assertion criteria provided. Collection method: clinical testing. Allele origin: germline. Not counted in ClinVar's aggregate classification.
Comment: This variant is classified as benign based on ACMG/AMP sequence variant interpretation guidelines (Richards et al. 2015 PMID: 25741868, with internal and published modifications).

NM_199420.4(POLQ):c.673C>T (p.His225Tyr)

Gene: POLQ (DNA polymerase theta; minus strand). Cytogenetic location: 3q13.33.
Variant type: single nucleotide variant.
Coding change: c.673C>T on transcript NM_199420.4 (MANE Select); coding-DNA position 673, C replaced by T.
Protein change: p.His225Tyr; replaces histidine 225 with tyrosine.
Molecular consequence: missense variant.
Genome position (GRCh38, 1-based): chr3:121,537,167, G>A on the plus strand (C>T on the coding strand, the complement: POLQ is on the minus strand). VCF-style: chr3-121537167-G-A. GRCh37 (hg19) VCF-style: chr3-121256014-G-A.
Other names: short protein forms H225Y.
Identifiers: ClinVar variation 778093 (VCV000778093.6), dbSNP rs73857907, ClinGen allele CA2563756.